The following is an entry in ClinVar:

NM_004629.2(FANCG):c.134A>T (p.Asp45Val)

Gene: FANCG (FA complementation group G; minus strand). Cytogenetic location: 9p13.3.
Variant type: single nucleotide variant.
Coding change: c.134A>T on transcript NM_004629.2 (MANE Select); coding-DNA position 134, A replaced by T.
Protein change: p.Asp45Val; replaces aspartic acid 45 with valine.
Molecular consequence: missense variant.
Genome position (GRCh38, 1-based): chr9:35,079,192, T>A on the plus strand (A>T on the coding strand, the complement: FANCG is on the minus strand). VCF-style: chr9-35079192-T-A. GRCh37 (hg19) VCF-style: chr9-35079189-T-A.
Other names: short protein forms D45V.
Identifiers: ClinVar variation 4619359 (VCV004619359.1).

ClinVar aggregate classification (germline): Uncertain significance (1 of 4 stars; one submission).

Conditions:
Inborn genetic diseases. Identifiers: MedGen C0950123, MeSH D030342.

gnomAD v4.1: 18 of 1,608,952 alleles (0.0011%); highest among the groups gnomAD compares: Non-Finnish European, 0.0014%; no homozygotes.

Submission:

Ambry Genetics
Classification: Uncertain significance for Inborn genetic diseases. Last evaluated: 2025-10-02. Review status: criteria provided, single submitter. Criteria: Ambry Variant Classification Scheme 2023. Collection method: clinical testing. Allele origin: germline.
Comment: The p.D45V variant (also known as c.134A>T), located in coding exon 2 of the FANCG gene, results from an A to T substitution at nucleotide position 134. The aspartic acid at codon 45 is replaced by valine, an amino acid with highly dissimilar properties. This amino acid position is conserved. In addition, the in silico prediction for this alteration is inconclusive. Based on the available evidence, the clinical significance of this variant remains unclear.